The following is an entry in ClinVar:

NM_005591.4(MRE11):c.443G>T (p.Gly148Val)

Gene: MRE11 (MRE11 double strand break repair nuclease; minus strand). Cytogenetic location: 11q21.
Variant type: single nucleotide variant.
Coding change: c.443G>T on transcript NM_005591.4 (MANE Select); coding-DNA position 443, G replaced by T.
Protein change: p.Gly148Val; replaces glycine 148 with valine.
Molecular consequence: missense variant.
Genome position (GRCh38, 1-based): chr11:94,478,836, C>A on the plus strand (G>T on the coding strand, the complement: MRE11 is on the minus strand). VCF-style: chr11-94478836-C-A. GRCh37 (hg19) VCF-style: chr11-94212002-C-A.
Other names: c.443G>T, p.Gly148Val (NM_001330347.2, NM_005590.4); short protein forms G148V.
Identifiers: ClinVar variation 3912855 (VCV003912855.1).

ClinVar aggregate classification (germline): Uncertain significance (1 of 4 stars; one submission).

Conditions:
Hereditary cancer-predisposing syndrome. Also called: Hereditary Cancer Syndrome; Hereditary neoplastic syndrome; Neoplastic Syndromes, Hereditary; Tumor predisposition. Identifiers: Orphanet 140162, MedGen C0027672, MeSH D009386, MONDO:0015356.

Submission:

Ambry Genetics
Classification: Uncertain significance for Hereditary cancer-predisposing syndrome. Last evaluated: 2025-03-24. Review status: criteria provided, single submitter. Criteria: Ambry Variant Classification Scheme 2023. Collection method: clinical testing. Allele origin: germline.
Comment: The p.G148V variant (also known as c.443G>T), located in coding exon 5 of the MRE11A gene, results from a G to T substitution at nucleotide position 443. The glycine at codon 148 is replaced by valine, an amino acid with dissimilar properties. This amino acid position is conserved. In addition, this alteration is predicted to be deleterious by in silico analysis. Based on the available evidence, the clinical significance of this variant remains unclear.